The following is an entry in ClinVar:

ClinVar aggregate classification (germline): Pathogenic (1 of 4 stars; one submission).

Conditions:
Neurodegeneration with brain iron accumulation 6 (NBIA6). Also called: COASY protein-associated neurodegeneration. Identifiers: Orphanet 397725, MedGen C4517377, MONDO:0014290, OMIM 615643.

Submission:

Labcorp Genetics (formerly Invitae), Labcorp
Classification: Pathogenic for Neurodegeneration with brain iron accumulation 6. Last evaluated: 2024-10-20. Review status: criteria provided, single submitter. Criteria: Invitae Variant Classification Sherloc (09022015). Collection method: clinical testing. Allele origin: germline.
Comment: This sequence change creates a premature translational stop signal (p.Phe62Leufs*26) in the COASY gene. It is expected to result in an absent or disrupted protein product. Loss-of-function variants in COASY are known to be pathogenic (PMID: 24360804, 30089828). This variant is not present in population databases (gnomAD no frequency). This variant has not been reported in the literature in individuals affected with COASY-related conditions. For these reasons, this variant has been classified as Pathogenic.

Literature cited by the submitters: PubMed 24360804; PubMed 30089828.

NM_025233.7(COASY):c.183del (p.Phe62fs)

Gene: COASY (Coenzyme A synthase; plus strand). Cytogenetic location: 17q21.2.
Variant type: Deletion.
Coding change: c.183del on transcript NM_025233.7 (MANE Select); coding-DNA position 183, one base deleted (G; older notation c.183delG).
Protein change: p.Phe62fs; shifts the reading frame from phenylalanine 62.
Molecular consequence: frameshift variant.
Genome position (GRCh38, 1-based): chr17:42,562,805, G deleted. VCF-style (leftmost placement, unchanged base first): chr17-42562804-CG-C. GRCh37 (hg19) VCF-style: chr17-40714822-CG-C.
Other names: c.183del, p.Phe62fs (NM_001042529.3); c.270del, p.Phe91fs (NM_001042532.4); short protein forms F62fs, F91fs.
Identifiers: ClinVar variation 3723340 (VCV003723340.2).